The following is an entry in ClinVar:

ClinVar aggregate classification (germline): Pathogenic (1 of 4 stars; one submission).

Conditions:
Arrhythmogenic cardiomyopathy with wooly hair and keratoderma. Also called: PALMOPLANTAR KERATODERMA WITH LEFT VENTRICULAR CARDIOMYOPATHY AND WOOLLY HAIR; Carvajal syndrome; Dilated cardiomyopathy with woolly hair and keratoderma; Arrhythmogenic cardiomyopathy with woolly hair and keratoderma. Identifiers: Orphanet 65282, MedGen C1854063, MONDO:0011581, OMIM 605676.
Arrhythmogenic right ventricular dysplasia 8 (ARVD8). Also called: Arrhythmogenic Right Ventricular Dysplasia/Cardiomyopathy 8; ARRHYTHMOGENIC RIGHT VENTRICULAR DYSPLASIA, FAMILIAL, 8; ARRHYTHMOGENIC RIGHT VENTRICULAR CARDIOMYOPATHY 8. Identifiers: MedGen C1843896, MONDO:0011831, OMIM 607450.

Submission:

Labcorp Genetics (formerly Invitae), Labcorp
Classification: Pathogenic for Arrhythmogenic cardiomyopathy with wooly hair and keratoderma; Arrhythmogenic right ventricular dysplasia 8. Last evaluated: 2024-10-03. Review status: criteria provided, single submitter. Criteria: Invitae Variant Classification Sherloc (09022015). Collection method: clinical testing. Allele origin: germline.
Comment: This sequence change creates a premature translational stop signal (p.Arg1131Lysfs*3) in the DSP gene. It is expected to result in an absent or disrupted protein product. Loss-of-function variants in DSP are known to be pathogenic (PMID: 20716751, 24503780, 25227139). This variant is not present in population databases (gnomAD no frequency). This variant has not been reported in the literature in individuals affected with DSP-related conditions. For these reasons, this variant has been classified as Pathogenic.

Literature cited by the submitters: PubMed 20716751; PubMed 24503780; PubMed 25227139.

NM_004415.4(DSP):c.3391dup (p.Arg1131fs)

Gene: DSP (desmoplakin; plus strand). Cytogenetic location: 6p24.3.
Variant type: Duplication.
Coding change: c.3391dup on transcript NM_004415.4 (MANE Select); coding-DNA position 3391, one base duplicated (A; older notation c.3391dupA).
Protein change: p.Arg1131fs; shifts the reading frame from arginine 1131.
Molecular consequence: frameshift variant.
Genome position (GRCh38, 1-based): chr6:7,579,581, A duplicated. VCF-style (leftmost placement, unchanged base first): chr6-7579580-C-CA. GRCh37 (hg19) VCF-style: chr6-7579813-C-CA.
Other names: c.3391dup, p.Arg1131fs (NM_001008844.3, NM_001319034.2); short protein forms R1131fs.
Identifiers: ClinVar variation 3759354 (VCV003759354.2).
Genomic context (GRCh38, chr6:7,579,580, plus strand): 5'-GATCACCCGACTGACTTATGAGATTGAAGATGAAAAGAGAAGAAGAAAATCTGTGGAAGA[C>CA]AGATTTGACCAACAGAAGAATGACTATGACCAACTGCAGAAAGCAAGGCAATGTGAAAAG-3'